The following is an entry in ClinVar:

ClinVar aggregate classification (germline): Conflicting classifications of pathogenicity. Review status: criteria provided, conflicting classifications (1 of 4 stars). 6 submissions from 6 submitters: Uncertain significance (2); Benign (1); Likely benign (3). Last evaluated 2026-06-02.

Conditions:
Kabuki syndrome. Also called: Kabuki make-up syndrome; NIIKAWA-KUROKI SYNDROME. Identifiers: Orphanet 2322, MedGen C0796004, MONDO:0016512.
Kabuki syndrome 1 (KABUK1). Also called: KMT2D-Related Kabuki Syndrome. Identifiers: Orphanet 2322, MedGen CN030661, MONDO:0007843, OMIM 147920.
KMT2D-related disorder. Also called: KMT2D-Related Disorders.

Allele frequency attached by ClinVar (database versions not stated): ExAC below 0.00001; gnomAD 0.00003; gnomAD exomes 0.00003; TOPMed 0.00003.
gnomAD v4.1: 55 of 1,567,400 alleles (0.0035%); highest among the groups gnomAD compares: Middle Eastern, 0.017%; no homozygotes.

Submissions (6):

PreventionGenetics, part of Exact Sciences
Classification: Uncertain significance for KMT2D-related condition. Last evaluated: 2026-06-02. Review status: criteria provided, single submitter. Criteria: ACMG Guidelines, 2015. Collection method: clinical testing. Allele origin: germline.
Comment: The KMT2D c.12229C>T variant is predicted to result in the amino acid substitution p.Leu4077Phe. To our knowledge, this variant has not been reported in the literature. This variant is reported in 0.0081% of alleles in individuals of South Asian descent in gnomAD. At this time, the clinical significance of this variant is uncertain due to the absence of conclusive functional and genetic evidence.

Labcorp Genetics (formerly Invitae), Labcorp
Classification: Benign for Kabuki syndrome. Last evaluated: 2025-10-02. Review status: criteria provided, single submitter. Criteria: Invitae Variant Classification Sherloc (09022015). Collection method: clinical testing. Allele origin: germline.

CeGaT Center for Human Genetics Tuebingen
Classification: Likely benign. Last evaluated: 2025-09-01. Review status: criteria provided, single submitter. Criteria: CeGaT Center For Human Genetics Tuebingen Variant Classification Criteria Version 2. Collection method: clinical testing. Allele origin: germline. Affected: yes. Observed: 2 variant alleles.
Comment: KMT2D: BP4

Laboratory of Genetics, Children's Clinical University Hospital Latvia
Classification: Likely benign. Last evaluated: 2025-02-16. Review status: criteria provided, single submitter. Criteria: ACMG Guidelines, 2015. Collection method: clinical testing. Allele origin: germline. Affected: yes.

Institute of Human Genetics, Clinical Exome/Genome Diagnostics Group, University Hospital Bonn
Classification: Uncertain significance for Kabuki syndrome 1. Last evaluated: 2022-01-26. Review status: criteria provided, single submitter. Criteria: ACMG Guidelines, 2015. Collection method: clinical testing. Allele origin: germline. Affected: yes.
Comment: BS2

GeneDx
Classification: Likely benign. Last evaluated: 2020-04-01. Review status: criteria provided, single submitter. Criteria: GeneDx Variant Classification Process June 2021. Collection method: clinical testing. Allele origin: germline. Affected: yes.

NM_003482.4(KMT2D):c.12229C>T (p.Leu4077Phe)

Gene: KMT2D (lysine methyltransferase 2D; minus strand). Cytogenetic location: 12q13.12.
Variant type: single nucleotide variant.
Coding change: c.12229C>T on transcript NM_003482.4 (MANE Select); coding-DNA position 12229, C replaced by T.
Protein change: p.Leu4077Phe; replaces leucine 4077 with phenylalanine.
Molecular consequence: missense variant.
Genome position (GRCh38, 1-based): chr12:49,032,476, G>A on the plus strand (C>T on the coding strand, the complement: KMT2D is on the minus strand). VCF-style: chr12-49032476-G-A. GRCh37 (hg19) VCF-style: chr12-49426259-G-A.
Other names: short protein forms L4077F.
Identifiers: ClinVar variation 1039727 (VCV001039727.37), dbSNP rs774148221, ClinGen allele CA6546228.
Genomic context (GRCh38, chr12:49,032,476, plus strand): 5'-GCCTCAGAGGTGGCTGCAGCTGCAGAGAGCTGGGCTGAGGCTGGGGCTGGGGTTGGACAA[G>A]CAGGAGTTGTGAGTCCCCAGAGAGTGAGGGCTTTACCTCTCCTGGTTCAGTGGCCATTGA-3'
Protein context (NP_003473.3, residues 4067-4087): PSLSGDSQLL[Leu4077Phe]VQPQPQPQPS